The following is an entry in ClinVar:

ClinVar aggregate classification (germline): Uncertain significance (1 of 4 stars; one submission).

Conditions:
Familial cold autoinflammatory syndrome 3 (FCAS3). Also called: FAMILIAL ATYPICAL COLD URTICARIA; ANTIBODY DEFICIENCY AND IMMUNE DYSREGULATION, PLCG2-ASSOCIATED. Identifiers: Orphanet 300359, MedGen C3280914, MONDO:0013766, OMIM 614468.

Submission:

Labcorp Genetics (formerly Invitae), Labcorp
Classification: Uncertain significance for Familial cold autoinflammatory syndrome 3. Last evaluated: 2024-10-22. Review status: criteria provided, single submitter. Criteria: Invitae Variant Classification Sherloc (09022015). Collection method: clinical testing. Allele origin: germline.
Comment: This sequence change falls in intron 14 of the PLCG2 gene. It does not directly change the encoded amino acid sequence of the PLCG2 protein. It affects a nucleotide within the consensus splice site. This variant is not present in population databases (gnomAD no frequency). This variant has not been reported in the literature in individuals affected with PLCG2-related conditions. Variants that disrupt the consensus splice site are a relatively common cause of aberrant splicing (PMID: 17576681, 9536098). Algorithms developed to predict the effect of sequence changes on RNA splicing suggest that this variant is not likely to affect RNA splicing. In summary, the available evidence is currently insufficient to determine the role of this variant in disease. Therefore, it has been classified as a Variant of Uncertain Significance.

Literature cited by the submitters: PubMed 17576681; PubMed 9536098.

NM_002661.5(PLCG2):c.1362+5G>A

Gene: PLCG2 (phospholipase C gamma 2; plus strand). Cytogenetic location: 16q23.3.
Variant type: single nucleotide variant.
Coding change: c.1362+5G>A on transcript NM_002661.5 (MANE Select); 5 bases into the intron after coding-DNA position 1362, G replaced by A.
Molecular consequence: intron variant.
Genome position (GRCh38, 1-based): chr16:81,900,785, G>A. VCF-style: chr16-81900785-G-A. GRCh37 (hg19) VCF-style: chr16-81934390-G-A.
Other names: c.1362+5G>A (NM_001425751.1, NM_001425749.1, NM_001425750.1).
Identifiers: ClinVar variation 3685000 (VCV003685000.2).